The following is an entry in ClinVar:

NM_020964.3(EPG5):c.7428G>A (p.Ser2476=)

Gene: EPG5 (ectopic P-granules 5 autophagy tethering factor; minus strand). Cytogenetic location: 18q12.3.
Variant type: single nucleotide variant.
Coding change: c.7428G>A on transcript NM_020964.3 (MANE Select); coding-DNA position 7428, G replaced by A.
Protein change: p.Ser2476=; no amino-acid change (serine 2476 retained).
Molecular consequence: synonymous variant.
Genome position (GRCh38, 1-based): chr18:45,857,867, C>T on the plus strand (G>A on the coding strand, the complement: EPG5 is on the minus strand). VCF-style: chr18-45857867-C-T. GRCh37 (hg19) VCF-style: chr18-43437832-C-T.
Other names: c.7428G>A (NM_020964.2).
Identifiers: ClinVar variation 1567227 (VCV001567227.15), dbSNP rs200441446, ClinGen allele CA8948009.
Genomic context (GRCh38, chr18:45,857,867, plus strand): 5'-TCTGAGGCCTATTTAGAACAACAGTGTTAGAAAGGCGCTTCCTTACCTGTTAGACAAAGG[C>T]GACTTCCGGCCAAACCCAATTGCCCCCAGGATCCCAGAGCTGAGTCTCTCCTCAGCCACG-3'
Protein context (NP_066015.2, residues 2466-2486): ILGAIGFGRK[Ser2476=]PLSNRFRVVA

ClinVar aggregate classification (germline): Likely benign. Review status: criteria provided, multiple submitters, no conflicts (2 of 4 stars). 3 submissions from 3 submitters: Likely benign (2). 1 of the submissions does not count toward it. Last evaluated 2026-01-01.

Conditions:
EPG5-related disorder. Also called: EPG5-related condition. Identifiers: MedGen CN381528.
Vici syndrome (VICIS). Identifiers: Orphanet 1493, MedGen C1855772, MONDO:0009452, OMIM 242840.

Allele frequency attached by ClinVar (database versions not stated): gnomAD 0.00001 and 0.00003; gnomAD exomes 0.00005 and 0.00018; TOPMed 0.00007; ExAC 0.00014; 1000 Genomes Project 0.00020; 1000 Genomes Project 30x 0.00031.
gnomAD v4.1: 76 of 1,612,092 alleles (0.0047%); highest among the groups gnomAD compares: Admixed American, 0.077%; no homozygotes.

Submissions (3):

CeGaT Center for Human Genetics Tuebingen
Classification: Likely benign. Last evaluated: 2026-01-01. Review status: criteria provided, single submitter. Criteria: CeGaT Center For Human Genetics Tuebingen Variant Classification Criteria Version 2. Collection method: clinical testing. Allele origin: germline. Affected: yes. Observed: 1 variant allele.
Comment: EPG5: BP4, BP7

Labcorp Genetics (formerly Invitae), Labcorp
Classification: Likely benign for Vici syndrome. Last evaluated: 2025-12-11. Review status: criteria provided, single submitter. Criteria: Invitae Variant Classification Sherloc (09022015). Collection method: clinical testing. Allele origin: germline.

PreventionGenetics, part of Exact Sciences
Classification: Likely benign for EPG5-related condition. Last evaluated: 2020-02-24. Review status: no assertion criteria provided. Collection method: clinical testing. Allele origin: germline. Not counted in ClinVar's aggregate classification.
Comment: This variant is classified as likely benign based on ACMG/AMP sequence variant interpretation guidelines (Richards et al. 2015 PMID: 25741868, with internal and published modifications).